The following continues an entry in ClinVar:

NM_000368.5(TSC1):c.1525C>T (p.Arg509Ter)

Gene: TSC1. ClinVar aggregate classification (germline): Pathogenic. Pathogenic (18).

Submissions 11 to 23 of 23:

GeneDx
Classification: Pathogenic. Last evaluated: 2022-09-20. Review status: criteria provided, single submitter. Criteria: GeneDx Variant Classification Process June 2021. Collection method: clinical testing. Allele origin: germline. Affected: yes.
Comment: Published functional studies demonstrate that R509X prevents TSC1 aggregation (Hoogeveen-Westerveld et al., 2010); Nonsense variant predicted to result in protein truncation or nonsense mediated decay in a gene for which loss of function is a known mechanism of disease; Not observed at significant frequency in large population cohorts (gnomAD); This variant is associated with the following publications: (PMID: 25525159, 29642139, 29932062, 20547222, 9328481, 10533066, 11112665, 9924605, 25900779, 9242607, 28288225, 34426522, 29655203, 32211034, 32655475, 34403804, 34849272, 33826429, 28087349)

Centre of Medical Genetics, University Hospital Muenster
Classification: Pathogenic for Tuberous sclerosis 1. Last evaluated: 2022-04-07. Review status: criteria provided, single submitter. Criteria: ACMG Guidelines, 2015. Collection method: clinical testing. Allele origin: de novo. Affected: yes. Observed: 1 variant allele, 1 heterozygote.
Comment: ACMG categories: PVS1,PS2,PM2,PP3,PP5

Genome-Nilou Lab
Classification: Pathogenic for Tuberous sclerosis 1. Last evaluated: 2021-11-07. Review status: criteria provided, single submitter. Criteria: ACMG Guidelines, 2015. Collection method: clinical testing. Allele origin: germline. Affected: no.

Mayo Clinic Laboratories, Mayo Clinic
Classification: Pathogenic. Last evaluated: 2021-01-06. Review status: criteria provided, single submitter. Criteria: ACMG Guidelines, 2015. Collection method: clinical testing. Allele origin: germline. Observed: 3 variant alleles.
Comment: PVS1, PS4, PM2, PP4

Blueprint Genetics
Classification: Pathogenic for TSC1-related disorders. Last evaluated: 2020-12-20. Review status: criteria provided, single submitter. Criteria: ACMG Guidelines, 2015. Collection method: clinical testing. Allele origin: germline. Affected: yes. Observed: 3 variant alleles.

Fulgent Genetics
Classification: Pathogenic for Tuberous sclerosis 1; Lymphangiomyomatosis; Isolated focal cortical dysplasia type II. Last evaluated: 2017-05-18. Review status: criteria provided, single submitter. Criteria: ACMG Guidelines, 2015. Collection method: clinical testing. Allele origin: unknown.

Center for Genomics, Ann and Robert H. Lurie Children's Hospital of Chicago
Classification: Pathogenic for Isolated focal cortical dysplasia type II; Tuberous sclerosis 1; Lymphangiomyomatosis. Review status: criteria provided, single submitter. Criteria: ACMG Guidelines, 2015. Collection method: clinical testing. Allele origin: germline.
Comment: TSC1 NM_000368.4 exon 15 p.Arg509* (c.1525C>T): This variant has been reported in the literature in several individuals with tuberous sclerosis (Ali 1998 PMID:9863590, Kwiatkowska 1998 PMID:9924605, Dabora 2001 PMID:11112665, Hung 2006 PMID:16981987, Hoogeveen-Westerveld 2010 PMID:20547222, Zhang 2015 PMID:25900779), including multiple entries in the Tuberous Sclerosis Database, with several of these entries reported to be de novo. This variant is not present in large control databases, but is present in ClinVar, with several labs classifying this variant as pathogenic (Variation ID:48796). Evolutionary conservation and computational predictive tools for this variant are limited or unavailable. In vitro functional studies predict that this variant will impact the protein by impairing TSC1 aggregation (Hoogeveen-Westerveld 2010 PMID:20547222). However, these studies may not accurately represent in vivo biological function. This variant creates a premature stop at this codon which results in an absent or abnormal protein. Loss of function variants are a known mechanism of disease for this gene (Rosset 2017 PMID:28222202). In summary, this variant is classified as pathogenic based on the data above.

Juno Genomics, Hangzhou Juno Genomics, Inc
Classification: Pathogenic for Tuberous sclerosis 1; Isolated focal cortical dysplasia type II; Lymphangiomyomatosis. Review status: criteria provided, single submitter. Criteria: ACMG Guidelines, 2015. Collection method: clinical testing. Allele origin: germline. Affected: yes.
Comment: Absent from controls (or at extremely low frequency if recessive) in Genome Aggregation Database, Exome Sequencing Project, 1000 Genomes Project, or Exome Aggregation Consortium.;Null variant in a gene where loss of function (LOF) is a known mechanism of disease.;The prevalence of the variant in affected individuals is significantly increased compared to the prevalence in controls.;Patient's phenotype or family history is highly specific for a disease with a single genetic etiology.

Clinical Genetics Laboratory, University Hospital Schleswig-Holstein
Classification: Pathogenic for Tuberous sclerosis 1. Last evaluated: 2024-09-27. Review status: no assertion criteria provided. Collection method: clinical testing. Allele origin: germline. Affected: yes. Not counted in ClinVar's aggregate classification.

deCODE genetics, Amgen
Classification: Likely pathogenic for Tuberous sclerosis 1. Last evaluated: 2023-07-21. Review status: no assertion criteria provided. Collection method: research. Allele origin: germline. Affected: yes. Observed: 3 variant alleles. Not counted in ClinVar's aggregate classification.
Comment: The variant NM_000368.5:c.1525C>T (chr9:132906053) in TSC1 was detected in 3 heterozygotes out of 58K WGS Icelanders (MAF= 0,003%). This variant has been reported in ClinVar previously as pathogenic. Based on ACMG criteria (PM2, PP5_Strong) this variant classifies as likely pathogenic.

Division of Genomic Medicine, Department of Advanced Medicine, Medical Research Institute, Kanazawa Medical University
Classification: Pathogenic for Tuberous sclerosis 1. Last evaluated: 2020-06-09. Review status: no assertion criteria provided. Collection method: clinical testing. Allele origin: germline. Affected: yes. Observed: 4 variant alleles. Not counted in ClinVar's aggregate classification.

Tuberous sclerosis database (TSC1)
No classification provided. Condition: TSC. Review status: no classification provided. Criteria: Tuberous Sclerosis Database Assertion Criteria 2015. Collection method: curation. Allele origin: germline. Affected: yes. Not counted in ClinVar's aggregate classification.

Tuberous sclerosis database (TSC1)
No classification provided. Condition: Bladder cancer. Review status: no classification provided. Criteria: Tuberous Sclerosis Database Assertion Criteria 2015. Collection method: curation. Allele origin: germline. Affected: yes. Not counted in ClinVar's aggregate classification.

Literature cited by the submitters: PubMed 10227394 (cited by Labcorp Genetics (formerly Invitae), Labcorp); PubMed 17304050 (cited by Labcorp Genetics (formerly Invitae), Labcorp); PubMed 9242607 (cited by 6 submitters); PubMed 9863590 (cited by 4 submitters); PubMed 9924605 (cited by 4 submitters); PubMed 11112665 (cited by 4 submitters); PubMed 16981987 (cited by 5 submitters); PubMed 20547222 (cited by 5 submitters); PubMed 21520333 (cited by Labcorp Genetics (formerly Invitae), Labcorp); PubMed 25900779 (cited by 7 submitters); PubMed 10570911 (cited by Ambry Genetics); PubMed 25525159 (cited by Athena Diagnostics and Quest Diagnostics Nichols Institute San Juan Capistrano); PubMed 29655203 (cited by 3 submitters); PubMed 29221145 (cited by 3 submitters); PubMed 34403804 (cited by Athena Diagnostics and Quest Diagnostics Nichols Institute San Juan Capistrano); PubMed 32211034 (cited by Athena Diagnostics and Quest Diagnostics Nichols Institute San Juan Capistrano); PubMed 32655475 (cited by Athena Diagnostics and Quest Diagnostics Nichols Institute San Juan Capistrano); PubMed 35918040 (cited by Athena Diagnostics and Quest Diagnostics Nichols Institute San Juan Capistrano); PubMed 10533066 (cited by Athena Diagnostics and Quest Diagnostics Nichols Institute San Juan Capistrano); PubMed 9328481 (cited by 3 submitters); PubMed 28087349 (cited by Mayo Clinic Laboratories, Mayo Clinic); PubMed 29932062 (cited by Mayo Clinic Laboratories, Mayo Clinic).